The following is an entry in ClinVar:

ClinVar aggregate classification (germline): Pathogenic/Likely pathogenic. Review status: criteria provided, multiple submitters, no conflicts (2 of 4 stars). 6 submissions from 6 submitters: Pathogenic (2); Likely pathogenic (4). Last evaluated 2025-08-18.

Conditions:
Arrhythmogenic right ventricular dysplasia 8 (ARVD8). Also called: Arrhythmogenic Right Ventricular Dysplasia/Cardiomyopathy 8; ARRHYTHMOGENIC RIGHT VENTRICULAR DYSPLASIA, FAMILIAL, 8; ARRHYTHMOGENIC RIGHT VENTRICULAR CARDIOMYOPATHY 8. Identifiers: MedGen C1843896, MONDO:0011831, OMIM 607450.
Arrhythmogenic cardiomyopathy with wooly hair and keratoderma. Also called: Carvajal syndrome; Arrhythmogenic cardiomyopathy with woolly hair and keratoderma; PALMOPLANTAR KERATODERMA WITH LEFT VENTRICULAR CARDIOMYOPATHY AND WOOLLY HAIR; Dilated cardiomyopathy with woolly hair and keratoderma. Identifiers: Orphanet 65282, MedGen C1854063, MONDO:0011581, OMIM 605676.
Cardiomyopathy (CMYO). Also called: Cardiomyopathies. Identifiers: Orphanet 167848, MedGen C0878544, MONDO:0004994, HP:0001638. Inheritance: Various modes of inheritance.
Cardiovascular phenotype. Identifiers: MedGen CN230736.
Keratosis palmoplantaris striata 2. Also called: Keratosis palmoplantaris striata II; KERATODERMA, PALMOPLANTAR, STRIATE FORM II; STRIATE PALMOPLANTAR KERATODERMA II. Identifiers: MedGen C1852127, MONDO:0013034, OMIM 612908.
Cardiomyopathy, dilated, with wooly hair, keratoderma, and tooth agenesis. Also called: Erythrokeratodermia-cardiomyopathy syndrome; Cardiomyopathy, dilated, with woolly hair, keratoderma, and tooth agenesis. Identifiers: Orphanet 476096, Orphanet 65282, MedGen C4014393, MONDO:0014355, OMIM 615821.
Lethal acantholytic epidermolysis bullosa (EBLA). Identifiers: Orphanet 158687, MedGen C1864826, MONDO:0012323, OMIM 609638.
Woolly hair-skin fragility syndrome (WHSF). Identifiers: Orphanet 293165, MedGen C1843292, MONDO:0957307, OMIM 620415.

Allele frequency attached by ClinVar (database versions not stated): TOPMed below 0.00001; gnomAD 0.00001; gnomAD exomes 0.00001.
gnomAD v4.1: 12 of 1,614,062 alleles (0.00074%); highest among the groups gnomAD compares: Non-Finnish European, 0.001%; no homozygotes.

Submissions (6):

Color Diagnostics, LLC DBA Color Health
Classification: Likely pathogenic for Cardiomyopathy. Last evaluated: 2025-08-18. Review status: criteria provided, single submitter. Criteria: ACMG Guidelines, 2015. Collection method: clinical testing. Allele origin: germline.
Comment: This variant changes 1 nucleotide in exon 24 of the DSP gene, creating a premature translation stop signal in the last exon. This variant is predicted to escape nonsense-mediated decay and be expressed as a truncated protein. Although functional studies have not been reported, this variant is expected to disrupt the plakin repeat domain C. Plakin repeat domains and downstream C-terminal sequence have been reported to be essential for interaction with intermediate filaments (PMID: 12101406, 12802069, 21756917). In addition, truncating variants occurring downstream of this variant are known to be disease-causing (ClinVar variation ID: 246676, 263803). This variant has been reported in an individual with history of unexplained sudden cardiac arrest (PMID: 32931854). This variant has not been identified in the general population by the Genome Aggregation Database (gnomAD). Loss of DSP function is a known mechanism of disease. Based on the available evidence, this variant is classified as Likely Pathogenic.

Ambry Genetics
Classification: Pathogenic for Cardiovascular phenotype. Last evaluated: 2024-09-13. Review status: criteria provided, single submitter. Criteria: Ambry Variant Classification Scheme 2023. Collection method: clinical testing. Allele origin: germline.
Comment: The c.7641C>G (p.Y2547*) alteration, located in exon 24 (coding exon 24) of the DSP gene, consists of a C to G substitution at nucleotide position 7641. This changes the amino acid from a tyrosine (Y) to a stop codon at amino acid position 2547. This alteration occurs at the 3' terminus of the DSP gene, is not expected to trigger nonsense-mediated mRNA decay, and impacts the last 11% of the protein. However, premature stop codons are typically deleterious in nature, the impacted region is critical for protein function, and a significant portion of the protein is affected (Ambry internal data). Based on data from gnomAD, the G allele has an overall frequency of 0.001% (1/152170) total alleles studied. The highest observed frequency was 0.001% (1/68028) of European (non-Finnish) alleles. This alteration has been reported in a sudden cardiac arrest cohort; however, clinical details were limited (Isbister, 2021). Based on the available evidence, this alteration is classified as pathogenic.

Labcorp Genetics (formerly Invitae), Labcorp
Classification: Pathogenic for Arrhythmogenic cardiomyopathy with wooly hair and keratoderma; Arrhythmogenic right ventricular dysplasia 8. Last evaluated: 2023-12-12. Review status: criteria provided, single submitter. Criteria: Invitae Variant Classification Sherloc (09022015). Collection method: clinical testing. Allele origin: germline.
Comment: This sequence change creates a premature translational stop signal (p.Tyr2547*) in the DSP gene. While this is not anticipated to result in nonsense mediated decay, it is expected to disrupt the last 325 amino acid(s) of the DSP protein. This variant is not present in population databases (gnomAD no frequency). This premature translational stop signal has been observed in individual(s) with DSP-related conditions (PMID: 32931854). ClinVar contains an entry for this variant (Variation ID: 432027). This variant disrupts a region of the DSP protein in which other variant(s) (p.Glu2728Glyfs*11) have been determined to be pathogenic (Invitae). This suggests that this is a clinically significant region of the protein, and that variants that disrupt it are likely to be disease-causing. For these reasons, this variant has been classified as Pathogenic.

All of Us Research Program, National Institutes of Health
Classification: Likely pathogenic for Arrhythmogenic cardiomyopathy with wooly hair and keratoderma. Last evaluated: 2023-08-15. Review status: criteria provided, single submitter. Criteria: ACMG Guidelines, 2015. Collection method: clinical testing. Allele origin: germline. Inheritance: Autosomal dominant inheritance. Observed: 1 variant allele, 1 heterozygote.
Comment: This variant changes 1 nucleotide in exon 24 of the DSP gene, creating a premature translation stop signal in the last exon. This variant is predicted to escape nonsense-mediated decay and be expressed as a truncated protein. Although functional studies have not been reported, this variant is expected to disrupt the plakin repeat domain C. Plakin repeat domains and downstream C-terminal sequence have been reported to be essential for interaction with intermediate filaments (PMID: 12101406, 12802069, 21756917). In addition, truncating variants occurring downstream of this variant are known to be disease-causing (ClinVar variation ID: 246676, 263803). This variant has been reported in an individual with history of unexplained sudden cardiac arrest (PMID: 32931854). This variant has not been identified in the general population by the Genome Aggregation Database (gnomAD). Loss of DSP function is a known mechanism of disease. Based on the available evidence, this variant is classified as Likely Pathogenic.

This study involves interpretation of variants in research participants for the purpose of population health screening. Participant phenotype was not available at the time of variant classification. Additional details can be found in publication PMID: 35346344, PMCID: PMC8962531

Fulgent Genetics
Classification: Likely pathogenic for Arrhythmogenic cardiomyopathy with wooly hair and keratoderma; Arrhythmogenic right ventricular dysplasia 8; Lethal acantholytic epidermolysis bullosa; Keratosis palmoplantaris striata 2; Cardiomyopathy, dilated, with wooly hair, keratoderma, and tooth agenesis. Last evaluated: 2021-09-30. Review status: criteria provided, single submitter. Criteria: ACMG Guidelines, 2015. Collection method: clinical testing. Allele origin: unknown.

GeneDx
Classification: Likely pathogenic. Last evaluated: 2016-06-08. Review status: criteria provided, single submitter. Criteria: GeneDx Variant Classification (06012015). Collection method: clinical testing. Allele origin: germline. Affected: yes.
Comment: The novel Y2547X variant in the DSP gene has not been reported as a pathogenic variant or as a benign variant to our knowledge. Y2547X is predicted to cause loss of normal protein function by protein truncation. Other downstream nonsense variants in the DSP gene have been reported in HGMD in association with DSP-related disorders (Stenson et al., 2014). Furthermore, the Y2547X variant was not observed in approximately 6,500 individuals of European and African American ancestry in the NHLBI Exome Sequencing Project, indicating it is not a common benign variant in these populations.In summary, Y2547X in the DSP gene is expected to be pathogenic

Literature cited by the submitters: PubMed 12101406 (cited by Color Diagnostics, LLC DBA Color Health and All of Us Research Program, National Institutes of Health); PubMed 12802069 (cited by Color Diagnostics, LLC DBA Color Health and All of Us Research Program, National Institutes of Health); PubMed 21756917 (cited by Color Diagnostics, LLC DBA Color Health and All of Us Research Program, National Institutes of Health); PubMed 32931854 (cited by 4 submitters).

NM_004415.4(DSP):c.7641C>G (p.Tyr2547Ter)

Gene: DSP (desmoplakin; plus strand). Cytogenetic location: 6p24.3.
Variant type: single nucleotide variant.
Coding change: c.7641C>G on transcript NM_004415.4 (MANE Select); coding-DNA position 7641, C replaced by G.
Protein change: p.Tyr2547Ter; replaces tyrosine 2547 with a stop codon.
Molecular consequence: nonsense.
Genome position (GRCh38, 1-based): chr6:7,584,903, C>G. VCF-style: chr6-7584903-C-G. GRCh37 (hg19) VCF-style: chr6-7585136-C-G.
Other names: c.7641C>G (LRG_423t1); c.5844C>G, p.Tyr1948Ter (NM_001008844.3); c.6312C>G, p.Tyr2104Ter (NM_001319034.2); short protein forms Y2547*, Y1948*, Y2104*.
Identifiers: ClinVar variation 432027 (VCV000432027.13), dbSNP rs1464253797, ClinGen allele CA362693462.